The following is an entry in ClinVar:

NM_004006.3(DMD):c.5740-1G>T

Gene: DMD (dystrophin; minus strand). Cytogenetic location: Xp21.1.
Variant type: single nucleotide variant.
Coding change: c.5740-1G>T on transcript NM_004006.3 (MANE Select); the canonical splice acceptor site of the intron before coding-DNA position 5740, G replaced by T.
Molecular consequence: splice acceptor variant.
Genome position (GRCh38, 1-based): chrX:32,342,283, C>A on the plus strand (G>T on the coding strand, the complement: DMD is on the minus strand). VCF-style: chrX-32342283-C-A. GRCh37 (hg19) VCF-style: chrX-32360400-C-A.
Other names: c.5716-1G>T (NM_000109.4); c.1717-1G>T (NM_004011.4); c.1708-1G>T (NM_004012.4); c.5728-1G>T (NM_004009.3); c.5371-1G>T (NM_004010.3).
Identifiers: ClinVar variation 1365986 (VCV001365986.7), dbSNP rs2148813707, ClinGen allele CA412665384.

ClinVar aggregate classification (germline): Pathogenic. Review status: criteria provided, multiple submitters, no conflicts (2 of 4 stars). 2 submissions from 2 submitters: Pathogenic (2). Last evaluated 2022-08-12.

Conditions:
Becker muscular dystrophy (BMD). Also called: MUSCULAR DYSTROPHY, PSEUDOHYPERTROPHIC PROGRESSIVE, BECKER TYPE; Becker Muscular Dystrophy (BMD). Identifiers: Orphanet 98895, MedGen C0917713, MONDO:0010311, OMIM 300376.
Duchenne muscular dystrophy (DMD). Also called: MUSCULAR DYSTROPHY, PSEUDOHYPERTROPHIC PROGRESSIVE, DUCHENNE TYPE; Duchenne Muscular Dystrophy (DMD). Identifiers: Orphanet 98896, MedGen C0013264, MONDO:0010679, OMIM 310200.

Submissions (2):

Labcorp Genetics (formerly Invitae), Labcorp
Classification: Pathogenic for Duchenne muscular dystrophy. Last evaluated: 2022-08-12. Review status: criteria provided, single submitter. Criteria: Invitae Variant Classification Sherloc (09022015). Collection method: clinical testing. Allele origin: germline.
Comment: This sequence change affects an acceptor splice site in intron 40 of the DMD gene. It is expected to disrupt RNA splicing. Variants that disrupt the donor or acceptor splice site typically lead to a loss of protein function (PMID: 16199547), and loss-of-function variants in DMD are known to be pathogenic (PMID: 16770791, 25007885). This variant is not present in population databases (gnomAD no frequency). Disruption of this splice site has been observed in individuals with Becker muscular dystrophy (PMID: 30833962). ClinVar contains an entry for this variant (Variation ID: 1365986). Algorithms developed to predict the effect of sequence changes on RNA splicing suggest that this variant may disrupt the consensus splice site. For these reasons, this variant has been classified as Pathogenic.

Mendelics
Classification: Pathogenic for Becker muscular dystrophy. Last evaluated: 2022-05-04. Review status: criteria provided, single submitter. Criteria: Mendelics Assertion Criteria 2019. Collection method: clinical testing. Allele origin: germline.

Literature cited by the submitters: PubMed 16199547 (cited by Labcorp Genetics (formerly Invitae), Labcorp); PubMed 16770791 (cited by Labcorp Genetics (formerly Invitae), Labcorp); PubMed 25007885 (cited by Labcorp Genetics (formerly Invitae), Labcorp); PubMed 30833962 (cited by Labcorp Genetics (formerly Invitae), Labcorp).